The following is an entry in ClinVar:

NM_012210.4(TRIM32):c.40C>G (p.Leu14Val)

Genes: ASTN2 (astrotactin 2; minus strand), TRIM32 (tripartite motif containing 32; plus strand). Cytogenetic location: 9q33.1.
Variant type: single nucleotide variant.
Coding change: c.40C>G on transcript NM_012210.4 (MANE Select); coding-DNA position 40, C replaced by G.
Protein change: p.Leu14Val; replaces leucine 14 with valine.
Molecular consequence: missense variant. On other transcripts: intron variant (3).
Genome position (GRCh38, 1-based): chr9:116,697,782, C>G. VCF-style: chr9-116697782-C-G. GRCh37 (hg19) VCF-style: chr9-119460061-C-G.
Other names: c.40C>G, p.Leu14Val (NM_001099679.2, NM_001379048.1, NM_001379049.1 and 1 more transcripts); c.2653+27989G>C (NM_014010.5); c.2794+27989G>C (NM_001365069.1); c.2806+27989G>C (NM_001365068.1); short protein forms L14V.
Identifiers: ClinVar variation 1312887 (VCV001312887.2), dbSNP rs756350336, ClinGen allele CA374647430.

ClinVar aggregate classification (germline): Uncertain significance (1 of 4 stars; one submission).

Submission:

GeneDx
Classification: Uncertain significance. Last evaluated: 2020-06-30. Review status: criteria provided, single submitter. Criteria: GeneDx Variant Classification Process June 2021. Collection method: clinical testing. Allele origin: germline. Affected: yes.
Comment: Not observed in large population cohorts (Lek et al., 2016); In silico analysis supports that this missense variant does not alter protein structure/function; Has not been previously published as pathogenic or benign to our knowledge